The following is an entry in ClinVar:

NM_152419.3(HGSNAT):c.437T>C (p.Val146Ala)

Gene: HGSNAT (heparan-alpha-glucosaminide N-acetyltransferase; plus strand). Cytogenetic location: 8p11.21.
Variant type: single nucleotide variant.
Coding change: c.437T>C on transcript NM_152419.3 (MANE Select); coding-DNA position 437, T replaced by C.
Protein change: p.Val146Ala; replaces valine 146 with alanine.
Molecular consequence: missense variant. On other transcripts: 5 prime UTR variant (1).
Genome position (GRCh38, 1-based): chr8:43,158,988, T>C. VCF-style: chr8-43158988-T-C. GRCh37 (hg19) VCF-style: chr8-43014131-T-C.
Other names: c.437T>C, p.Val146Ala (NM_001363227.2, NM_001363228.2); c.-397T>C (NM_001363229.2); short protein forms V146A.
Identifiers: ClinVar variation 2183252 (VCV002183252.1), dbSNP rs912586638, ClinGen allele CA371115592.

ClinVar aggregate classification (germline): Uncertain significance (1 of 4 stars; one submission).

Conditions:
Mucopolysaccharidosis, MPS-III-C (MPS3C). Also called: SANFILIPPO SYNDROME C; MPS III C; mucopolysaccharidosis type 3C; MUCOPOLYSACCHARIDOSIS, TYPE IIIC; MPS IIIC (Sanfilippo Syndrome Type C); Mucopolysaccharidosis type IIIC (Sanfilippo C). Identifiers: Orphanet 581, Orphanet 79271, MedGen C0086649, MONDO:0009657, OMIM 252930.
Retinitis pigmentosa 73 (RP73). Identifiers: Orphanet 791, MedGen C4225287, MONDO:0014687, OMIM 616544.

Allele frequency attached by ClinVar (database versions not stated): gnomAD 0.00001; gnomAD exomes 0.00001; TOPMed 0.00002.

Submission:

Labcorp Genetics (formerly Invitae), Labcorp
Classification: Uncertain significance for Retinitis pigmentosa 73; Mucopolysaccharidosis, MPS-III-C. Last evaluated: 2022-10-17. Review status: criteria provided, single submitter. Criteria: Invitae Variant Classification Sherloc (09022015). Collection method: clinical testing. Allele origin: germline.
Comment: This sequence change replaces valine, which is neutral and non-polar, with alanine, which is neutral and non-polar, at codon 146 of the HGSNAT protein (p.Val146Ala). This variant is present in population databases (no rsID available, gnomAD 0.0009%). This variant has not been reported in the literature in individuals affected with HGSNAT-related conditions. Advanced modeling of protein sequence and biophysical properties (such as structural, functional, and spatial information, amino acid conservation, physicochemical variation, residue mobility, and thermodynamic stability) performed at Invitae indicates that this missense variant is not expected to disrupt HGSNAT protein function. In summary, the available evidence is currently insufficient to determine the role of this variant in disease. Therefore, it has been classified as a Variant of Uncertain Significance.